The following is an entry in ClinVar:

NM_001080517.3(SETD5):c.811-3C>T

Gene: SETD5 (SET domain containing 5; plus strand). Cytogenetic location: 3p25.3.
Variant type: single nucleotide variant.
Coding change: c.811-3C>T on transcript NM_001080517.3 (MANE Select); 3 bases into the intron before coding-DNA position 811, C replaced by T.
Molecular consequence: intron variant.
Genome position (GRCh38, 1-based): chr3:9,441,590, C>T. VCF-style: chr3-9441590-C-T. GRCh37 (hg19) VCF-style: chr3-9483274-C-T.
Other names: c.517-3C>T (NM_001349451.2, NM_001292043.2).
Identifiers: ClinVar variation 1699518 (VCV001699518.2), dbSNP rs1037104712, ClinGen allele CA69959066.
Genomic context (GRCh38, chr3:9,441,590, plus strand): 5'-AATTTGAGTGTCTACTAAGGTGTTCTTGCTGTTGTTTAATGTTATTGCTCTGGTTTTATT[C>T]AGTTACAGCTGGGAAGAGTCACTCGTGTTCAAAAGCACCGGAAGATCCTGAGGGCTGCAA-3'

ClinVar aggregate classification (germline): Uncertain significance (1 of 4 stars; one submission).

Allele frequency attached by ClinVar (database versions not stated): gnomAD exomes below 0.00001; TOPMed 0.00004; gnomAD 0.00005 and 0.00006.
gnomAD v4.1: 13 of 1,613,450 alleles (0.00081%); highest among the groups gnomAD compares: African/African-American, 0.017%; no homozygotes.

Submission:

GeneDx
Classification: Uncertain significance. Last evaluated: 2022-07-29. Review status: criteria provided, single submitter. Criteria: GeneDx Variant Classification Process June 2021. Collection method: clinical testing. Allele origin: germline. Affected: yes.
Comment: Has not been previously published as pathogenic or benign to our knowledge; In-silico analysis is inconclusive as to whether the variant alters gene splicing. In the absence of RNA/functional studies, the actual effect of this sequence change is unknown